The following is an entry in ClinVar:

ClinVar aggregate classification (germline): Benign/Likely benign. Review status: criteria provided, multiple submitters, no conflicts (2 of 4 stars). 7 submissions from 7 submitters: Benign (1); Likely benign (6). Last evaluated 2026-08-01.

Conditions:
MARS1-related disorder. Also called: MARS1-related condition.
Severe early-onset pulmonary alveolar proteinosis due to MARS deficiency. Also called: PULMONARY ALVEOLAR PROTEINOSIS, REUNION ISLAND; Interstitial lung and liver disease. Identifiers: Orphanet 440427, MedGen C4225400, MONDO:0014206, OMIM 615486.
Charcot-Marie-Tooth disease axonal type 2U. Also called: CHARCOT-MARIE-TOOTH NEUROPATHY, TYPE 2U; CHARCOT-MARIE-TOOTH DISEASE, AXONAL, AUTOSOMAL DOMINANT, TYPE 2U. Identifiers: Orphanet 397735, MedGen C4084821, MONDO:0014566, OMIM 616280.

Allele frequency attached by ClinVar (database versions not stated): gnomAD exomes 0.00012 and 0.00034; ExAC 0.00040; gnomAD 0.00128 and 0.00138; TOPMed 0.00130; ESP Exome Variant Server 0.00138; 1000 Genomes Project 0.00200; 1000 Genomes Project 30x 0.00219.
gnomAD v4.1: 385 of 1,614,122 alleles (0.024%); highest among the groups gnomAD compares: African/African-American, 0.43%; no homozygotes.

Submissions (7):

CeGaT Center for Human Genetics Tuebingen
Classification: Likely benign. Last evaluated: 2026-08-01. Review status: criteria provided, single submitter. Criteria: CeGaT Center For Human Genetics Tuebingen Variant Classification Criteria Version 2. Collection method: clinical testing. Allele origin: germline. Affected: yes. Observed: 1 variant allele.
Comment: MARS1: BP4, BP7

Labcorp Genetics (formerly Invitae), Labcorp
Classification: Benign for Charcot-Marie-Tooth disease axonal type 2U; Severe early-onset pulmonary alveolar proteinosis due to MARS deficiency. Last evaluated: 2026-01-12. Review status: criteria provided, single submitter. Criteria: Invitae Variant Classification Sherloc (09022015). Collection method: clinical testing. Allele origin: germline.

PreventionGenetics, part of Exact Sciences
Classification: Likely benign for MARS1-related condition. Last evaluated: 2025-05-29. Review status: criteria provided, single submitter. Criteria: ACMG Guidelines, 2015. Collection method: clinical testing. Allele origin: germline.
Comment: This variant is classified as likely benign based on ACMG/AMP sequence variant interpretation guidelines (Richards et al. 2015 PMID: 25741868, with internal and published modifications).

Blueprint Genetics
Classification: Likely benign. Last evaluated: 2024-05-10. Review status: criteria provided, single submitter. Criteria: ACMG Guidelines, 2015. Collection method: clinical testing. Allele origin: germline.

Ambry Genetics
Classification: Likely benign. Last evaluated: 2019-07-11. Review status: criteria provided, single submitter. Criteria: Ambry Variant Classification Scheme 2023. Collection method: clinical testing. Allele origin: germline.

GeneDx
Classification: Likely benign. Last evaluated: 2018-04-23. Review status: criteria provided, single submitter. Criteria: GeneDx Variant Classification Process June 2021. Collection method: clinical testing. Allele origin: germline. Affected: yes.

Breakthrough Genomics
Classification: Likely benign. Review status: criteria provided, single submitter. Criteria: ACMG Guidelines, 2015. Collection method: not provided. Allele origin: germline. Inheritance: Autosomal recessive inheritance. Affected: yes.

NM_004990.4(MARS1):c.801C>T (p.Leu267=)

Gene: MARS1 (methionyl-tRNA synthetase 1; plus strand). Cytogenetic location: 12q13.3.
Variant type: single nucleotide variant.
Coding change: c.801C>T on transcript NM_004990.4 (MANE Select); coding-DNA position 801, C replaced by T.
Protein change: p.Leu267=; no amino-acid change (leucine 267 retained).
Molecular consequence: synonymous variant.
Genome position (GRCh38, 1-based): chr12:57,498,187, C>T. VCF-style: chr12-57498187-C-T. GRCh37 (hg19) VCF-style: chr12-57891970-C-T.
Identifiers: ClinVar variation 475431 (VCV000475431.21), dbSNP rs151260441, ClinGen allele CA6650309.